The following is an entry in ClinVar:

NM_001267550.2(TTN):c.47486_47498del (p.Glu15828_Tyr15829insTer)

Genes: TTN (titin; minus strand), TTN-AS1 (TTN antisense RNA 1; plus strand). Cytogenetic location: 2q31.2.
Variant type: Deletion.
Coding change: c.47486_47498del on transcript NM_001267550.2 (MANE Select); coding-DNA positions 47486 to 47498, 13 bases deleted (ACAGTTTCCGAGT).
Protein change: p.Glu15828_Tyr15829insTer.
Molecular consequence: nonsense.
Genome position (GRCh38, 1-based): chr2:178,617,853-178,617,865, ACTCGGAAACTGT deleted on the plus strand (ACAGTTTCCGAGT on the coding strand, the reverse complement: TTN is on the minus strand); deleting any 13 consecutive bases within chr2:178,617,853-178,617,869 gives the same sequence; the c. name uses the placement nearest the transcript's 3' end. VCF-style (leftmost placement, unchanged base first): chr2-178617852-CACTCGGAAACTGT-C. GRCh37 (hg19) VCF-style: chr2-179482579-CACTCGGAAACTGT-C.
Other names: c.42563_42575del, p.Glu14187_Tyr14188insTer (NM_001256850.1); c.20291_20303del, p.Glu6763_Tyr6764insTer (NM_003319.4); c.39782_39794del, p.Glu13260_Tyr13261insTer (NM_133378.4); c.20666_20678del, p.Glu6888_Tyr6889insTer (NM_133432.3); c.20867_20879del, p.Glu6955_Tyr6956insTer (NM_133437.4); c.20291_20303del13 (NM_003319.4).
Identifiers: ClinVar variation 3223215 (VCV003223215.5), dbSNP rs2470875483, ClinGen allele CA430273862.

ClinVar aggregate classification (germline): Likely pathogenic. Review status: criteria provided, multiple submitters, no conflicts (2 of 4 stars). 3 submissions from 3 submitters: Likely pathogenic (3). Last evaluated 2024-04-24.

Conditions:
Cardiovascular phenotype. Identifiers: MedGen CN230736.
Non-compaction cardiomyopathy. Identifiers: MedGen C4324548, MONDO:0005418.
Autosomal recessive limb-girdle muscular dystrophy type 2J (LGMDR10). Also called: Limb-girdle muscular dystrophy, type 2J; MUSCULAR DYSTROPHY, LIMB-GIRDLE, AUTOSOMAL RECESSIVE 10. Identifiers: Orphanet 140922, MedGen C1837342, MONDO:0012127, OMIM 608807.
Dilated cardiomyopathy 1G (CMD1G). Identifiers: Orphanet 154, MedGen C1858763, MONDO:0011400, OMIM 604145.

Submissions (3):

Labcorp Genetics (formerly Invitae), Labcorp
Classification: Likely pathogenic for Dilated cardiomyopathy 1G; Autosomal recessive limb-girdle muscular dystrophy type 2J. Last evaluated: 2024-04-24. Review status: criteria provided, single submitter. Criteria: Invitae Variant Classification Sherloc (09022015). Collection method: clinical testing. Allele origin: germline.
Comment: This sequence change creates a premature translational stop signal (p.Tyr15829*) in the TTN gene. While this is not anticipated to result in nonsense mediated decay, it is expected to create a truncated TTN protein. This variant is not present in population databases (gnomAD no frequency). This premature translational stop signal has been observed in individual(s) with dilated cardiomyopathy (Invitae). This variant is located in the A band of TTN (PMID: 25589632). Truncating variants in this region are significantly overrepresented in patients affected with dilated cardiomyopathy (PMID: 25589632). Truncating variants in this region have also been reported in individuals affected with autosomal recessive centronuclear myopathy (PMID: 23975875). In summary, the currently available evidence indicates that the variant is pathogenic, but additional data are needed to prove that conclusively. Therefore, this variant has been classified as Likely Pathogenic.

Ambry Genetics
Classification: Likely pathogenic for Cardiovascular phenotype. Last evaluated: 2024-03-07. Review status: criteria provided, single submitter. Criteria: Ambry Variant Classification Scheme 2023. Collection method: clinical testing. Allele origin: germline.
Comment: The c.20291_20303del13 variant, located in coding exon 80 of the TTN gene, results from a deletion of 13 nucleotides at nucleotide positions 20291 to 20303, causing a translational frameshift with a predicted alternate stop codon (p.Y6764*). This exon is located in the A-band region of the N2-B isoform of the titin protein and is constitutively expressed in TTN transcripts (percent spliced in or PSI 100%). This variant is considered to be rare based on population cohorts in the Genome Aggregation Database (gnomAD). This alteration is expected to result in loss of function by premature protein truncation or nonsense-mediated mRNA decay. While truncating variants in TTN are present in 1-3% of the general population, truncating variants in the A-band are the most common cause of dilated cardiomyopathy (DCM) (Herman DS et al. N. Engl. J. Med., 2012 Feb;366:619-28; Roberts AM et al. Sci Transl Med, 2015 Jan;7:270ra6). TTN truncating variants encoded in constitutive exons (PSI >90%) have been found to be significantly associated with DCM regardless of their position in titin (Schafer S et al. Nat. Genet., 2017 01;49:46-53). Based on the majority of available evidence to date, this variant is likely to be pathogenic.

Clinical Genetics Laboratory, Region Ostergotland
Classification: Likely pathogenic for Non-compaction cardiomyopathy. Last evaluated: 2023-11-21. Review status: criteria provided, single submitter. Criteria: ACMG Guidelines, 2015. Collection method: clinical testing. Allele origin: germline. Affected: yes.
Comment: PVS1, PM2

Literature cited by the submitters: PubMed 25589632 (cited by Labcorp Genetics (formerly Invitae), Labcorp); PubMed 23975875 (cited by Labcorp Genetics (formerly Invitae), Labcorp).